The following is an entry in ClinVar:

ClinVar aggregate classification (germline): Uncertain significance. Review status: criteria provided, multiple submitters, no conflicts (2 of 4 stars). 2 submissions from 2 submitters: Uncertain significance (2). Last evaluated 2026-01-06.

Conditions:
Autosomal recessive polycystic kidney disease (ARPKD). Also called: AR polycystic kidney disease. Identifiers: Orphanet 731, Orphanet 8378, MedGen C0085548, MeSH D017044, MONDO:0009889.

Allele frequency attached by ClinVar (database versions not stated): ExAC 0.00002; gnomAD exomes 0.00002; TOPMed 0.00002.
gnomAD v4.1: 11 of 1,613,824 alleles (0.00068%); highest among the groups gnomAD compares: Admixed American, 0.018%; no homozygotes.

Submissions (2):

Labcorp Genetics (formerly Invitae), Labcorp
Classification: Uncertain significance for Autosomal recessive polycystic kidney disease. Last evaluated: 2026-01-06. Review status: criteria provided, single submitter. Criteria: Invitae Variant Classification Sherloc (09022015). Collection method: clinical testing. Allele origin: germline.
Comment: This sequence change replaces asparagine, which is neutral and polar, with isoleucine, which is neutral and non-polar, at codon 1415 of the PKHD1 protein (p.Asn1415Ile). This variant is present in population databases (rs773144766, gnomAD 0.03%). This variant has not been reported in the literature in individuals affected with PKHD1-related conditions. ClinVar contains an entry for this variant (Variation ID: 1969822). Invitae Evidence Modeling of protein sequence and biophysical properties (such as structural, functional, and spatial information, amino acid conservation, physicochemical variation, residue mobility, and thermodynamic stability) indicates that this missense variant is not expected to disrupt PKHD1 protein function with a negative predictive value of 95%. In summary, the available evidence is currently insufficient to determine the role of this variant in disease. Therefore, it has been classified as a Variant of Uncertain Significance.

GeneDx
Classification: Uncertain significance. Last evaluated: 2025-04-22. Review status: criteria provided, single submitter. Criteria: GeneDx Variant Classification Process June 2021. Collection method: clinical testing. Allele origin: germline. Affected: yes.
Comment: In silico analysis indicates that this missense variant does not alter protein structure/function; Has not been previously published as pathogenic or benign to our knowledge

NM_138694.4(PKHD1):c.4244A>T (p.Asn1415Ile)

Gene: PKHD1 (PKHD1 ciliary IPT domain containing fibrocystin/polyductin; minus strand). Cytogenetic location: 6p12.2.
Variant type: single nucleotide variant.
Coding change: c.4244A>T on transcript NM_138694.4 (MANE Select); coding-DNA position 4244, A replaced by T.
Protein change: p.Asn1415Ile; replaces asparagine 1415 with isoleucine.
Molecular consequence: missense variant.
Genome position (GRCh38, 1-based): chr6:52,025,566, T>A on the plus strand (A>T on the coding strand, the complement: PKHD1 is on the minus strand). VCF-style: chr6-52025566-T-A. GRCh37 (hg19) VCF-style: chr6-51890364-T-A.
Other names: c.4244A>T (NM_138694.3); c.4244A>T, p.Asn1415Ile (NM_170724.3); short protein forms N1415I.
Identifiers: ClinVar variation 1969822 (VCV001969822.5), dbSNP rs773144766, ClinGen allele CA3852753.